The following is an entry in ClinVar:

ClinVar aggregate classification (germline): Uncertain significance (1 of 4 stars; one submission).

Allele frequency attached by ClinVar (database versions not stated): gnomAD 0.00001; gnomAD exomes 0.00001; TOPMed 0.00001.

Submission:

GeneDx
Classification: Uncertain significance. Last evaluated: 2023-06-16. Review status: criteria provided, single submitter. Criteria: GeneDx Variant Classification Process June 2021. Collection method: clinical testing. Allele origin: germline. Affected: yes.
Comment: Not observed at significant frequency in large population cohorts (gnomAD); In silico analysis supports that this missense variant does not alter protein structure/function; Has not been previously published as pathogenic or benign to our knowledge

NM_001098.3(ACO2):c.951T>A (p.Asn317Lys)

Gene: ACO2 (aconitase 2; plus strand). Cytogenetic location: 22q13.2.
Variant type: single nucleotide variant.
Coding change: c.951T>A on transcript NM_001098.3 (MANE Select); coding-DNA position 951, T replaced by A.
Protein change: p.Asn317Lys; replaces asparagine 317 with lysine.
Molecular consequence: missense variant.
Genome position (GRCh38, 1-based): chr22:41,518,491, T>A. VCF-style: chr22-41518491-T-A. GRCh37 (hg19) VCF-style: chr22-41914495-T-A.
Other names: p.N317K:AAT>AAA; short protein forms N317K.
Identifiers: ClinVar variation 214014 (VCV000214014.2), dbSNP rs863223878, ClinGen allele CA323041.